The following is an entry in ClinVar:

ClinVar aggregate classification (germline): Likely pathogenic (1 of 4 stars; one submission).

Conditions:
Hermansky-Pudlak syndrome 2 (HPS2). Also called: Platelet defects and oculocutaneous albinism. Identifiers: Orphanet 183678, Orphanet 79430, MedGen C1842362, MONDO:0011997, OMIM 608233.

Submission:

Neuberg Centre For Genomic Medicine, NCGM
Classification: Likely pathogenic for Hermansky-Pudlak syndrome 2. Review status: criteria provided, single submitter. Criteria: ACMG Guidelines, 2015. Collection method: clinical testing. Allele origin: germline. Inheritance: Autosomal recessive inheritance. Affected: yes.
Comment: The frameshift mutation AP3B1 c.2354_2355del (p.Glu785ValfsTer4) has not been reported previously as a pathogenic variant nor as a benign variant, to our knowledge. The p.Glu785ValfsTer4 variant is novel (not in any individuals) in gnomAD Exomes and 1000 Genomes. This variant causes a frameshift starting with codon Glutamic Acid 785, changes this amino acid to Valine residue, and creates a premature Stop codon at position 4 of the new reading frame, denoted p.Glu785ValfsTer4. The loss of function of variants have been previously reported. For these reasons, this variant has been classified as Likely Pathogenic.

NM_003664.5(AP3B1):c.2354_2355del (p.Glu785fs)

Gene: AP3B1 (adaptor related protein complex 3 subunit beta 1; minus strand). Cytogenetic location: 5q14.1.
Variant type: Microsatellite.
Coding change: c.2354_2355del on transcript NM_003664.5 (MANE Select); coding-DNA positions 2354 to 2355, 2 bases deleted (AG; older notation c.2354_2355delAG).
Protein change: p.Glu785fs; shifts the reading frame from glutamic acid 785.
Molecular consequence: frameshift variant.
Genome position (GRCh38, 1-based): chr5:78,110,249-78,110,250, CT deleted on the plus strand (AG on the coding strand, the reverse complement: AP3B1 is on the minus strand); deleting any 2 consecutive bases within chr5:78,110,249-78,110,252 gives the same sequence; the c. name uses the placement nearest the transcript's 3' end. VCF-style (leftmost placement, unchanged base first): chr5-78110248-ACT-A. GRCh37 (hg19) VCF-style: chr5-77406072-ACT-A.
Other names: c.2354_2355del (NM_003664.4); c.2352_2353AG[1], p.Glu785Valfs (NM_003664.4); c.2207_2208del, p.Glu736fs (NM_001271769.2); c.2354_2355del, p.Glu785fs (NM_001410752.1); short protein forms E736fs, E785fs.
Identifiers: ClinVar variation 2585240 (VCV002585240.1), dbSNP rs2530953333, ClinGen allele CA2582341582.
Genomic context (GRCh38, chr5:78,110,248, plus strand): 5'-CAAATGTATAATCTCTTACCTTAGTGACTCTTCTGGATTCAGATTCACTTTCAGGTTCTG[ACT>A]CTGATTCAGAATCGGAAGAACTGTCTTCTATTGAACTAGATTCGTCATTTGAAGAATCTG-3'